The following is an entry in ClinVar:

ClinVar aggregate classification (germline): Uncertain significance (1 of 4 stars; one submission).

Conditions:
Inborn genetic diseases. Identifiers: MedGen C0950123, MeSH D030342.

gnomAD v4.1: 2 of 1,612,566 alleles (0.00012%); highest among the groups gnomAD compares: Admixed American, 0.0017%; no homozygotes.

Submission:

Ambry Genetics
Classification: Uncertain significance for Inborn genetic diseases. Last evaluated: 2024-12-29. Review status: criteria provided, single submitter. Criteria: Ambry Variant Classification Scheme 2023. Collection method: clinical testing. Allele origin: germline.
Comment: The p.S438C variant (also known as c.1313C>G), located in coding exon 15 of the RTEL1 gene, results from a C to G substitution at nucleotide position 1313. The serine at codon 438 is replaced by cysteine, an amino acid with dissimilar properties. This amino acid position is conserved. In addition, the in silico prediction for this alteration is inconclusive. Based on the available evidence, the clinical significance of this variant remains unclear.

NM_001283009.2(RTEL1):c.1313C>G (p.Ser438Cys)

Genes: RTEL1 (regulator of telomere elongation helicase 1; plus strand), RTEL1-TNFRSF6B (RTEL1-TNFRSF6B readthrough (NMD candidate); plus strand). Cytogenetic location: 20q13.33.
Variant type: single nucleotide variant.
Coding change: c.1313C>G on transcript NM_001283009.2 (MANE Select); coding-DNA position 1313, C replaced by G.
Protein change: p.Ser438Cys; replaces serine 438 with cysteine.
Molecular consequence: missense variant. On other transcripts: non-coding transcript variant (1).
Genome position (GRCh38, 1-based): chr20:63,685,837, C>G. VCF-style: chr20-63685837-C-G. GRCh37 (hg19) VCF-style: chr20-62317190-C-G.
Other names: c.644C>G, p.Ser215Cys (NM_001283010.1); c.1313C>G, p.Ser438Cys (NM_016434.4); c.1385C>G, p.Ser462Cys (NM_032957.5); short protein forms S215C, S462C, S438C.
Identifiers: ClinVar variation 3791010 (VCV003791010.1).